The following is an entry in ClinVar:

NM_001144967.3(NEDD4L):c.297+4116C>T

Gene: NEDD4L (NEDD4 like E3 ubiquitin protein ligase; plus strand). Cytogenetic location: 18q21.31.
Variant type: single nucleotide variant.
Coding change: c.297+4116C>T on transcript NM_001144967.3 (MANE Select); 4116 bases into the intron after coding-DNA position 297, C replaced by T.
Molecular consequence: intron variant.
Genome position (GRCh38, 1-based): chr18:58,256,170, C>T. VCF-style: chr18-58256170-C-T. GRCh37 (hg19) VCF-style: chr18-55923402-C-T.
Other names: c.-67+4116C>T (NM_001144970.3, NM_001144966.3, NM_001144964.1 and 2 more transcripts); c.297+4116C>T (NM_015277.6, NM_001243960.2); c.273+4116C>T (NM_001144968.2, NM_001144969.2).
Identifiers: ClinVar variation 2648761 (VCV002648761.26), dbSNP rs543434123, ClinGen allele CA301418957.
Genomic context (GRCh38, chr18:58,256,170, plus strand): 5'-GGGCAGCCCGGGACCCAGGGCTCCAGGTCAACGGCACGTGCGGCCGCCGCGTGCGGTGCT[C>T]CGGCCCCGTGGACTGCGCGGAGGAGGCTGCCCCGGGCCTGCGCATCCAGCACCGCGCCTC-3'

ClinVar aggregate classification (germline): Benign/Likely benign. Review status: criteria provided, multiple submitters, no conflicts (2 of 4 stars). 3 submissions from 3 submitters: Benign (1); Likely benign (2). Last evaluated 2025-02-16.

Allele frequency attached by ClinVar (database versions not stated): 1000 Genomes Project 0.00100; 1000 Genomes Project 30x 0.00125.
gnomAD v4.1: 5,134 of 1,218,020 alleles (0.42%); highest among the groups gnomAD compares: Non-Finnish European, 0.46%; 14 homozygotes.

Submissions (3):

Laboratory of Genetics, Children's Clinical University Hospital Latvia
Classification: Likely benign. Last evaluated: 2025-02-16. Review status: criteria provided, single submitter. Criteria: ACMG Guidelines, 2015. Collection method: clinical testing. Allele origin: germline. Affected: yes.

CeGaT Center for Human Genetics Tuebingen
Classification: Benign. Last evaluated: 2023-07-01. Review status: criteria provided, single submitter. Criteria: CeGaT Center For Human Genetics Tuebingen Variant Classification Criteria Version 2. Collection method: clinical testing. Allele origin: germline. Affected: yes. Observed: 2 variant alleles.
Comment: NEDD4L: BS1, BS2

Blueprint Genetics
Classification: Likely benign. Last evaluated: 2023-03-28. Review status: criteria provided, single submitter. Criteria: ACMG Guidelines, 2015. Collection method: clinical testing. Allele origin: germline.